The following is an entry in ClinVar:

NM_001127898.4(CLCN5):c.323A>G (p.Asn108Ser)

Gene: CLCN5 (Cl-/H+ antiporter 5; plus strand). Cytogenetic location: Xp11.23.
Variant type: single nucleotide variant.
Coding change: c.323A>G on transcript NM_001127898.4 (MANE Select); coding-DNA position 323, A replaced by G.
Protein change: p.Asn108Ser; replaces asparagine 108 with serine.
Molecular consequence: missense variant. On other transcripts: non-coding transcript variant (1).
Genome position (GRCh38, 1-based): chrX:50,072,496, A>G. VCF-style: chrX-50072496-A-G. GRCh37 (hg19) VCF-style: chrX-49837151-A-G.
Other names: c.113A>G, p.Asn38Ser (NM_000084.5); c.323A>G, p.Asn108Ser (NM_001127899.4); c.173A>G, p.Asn58Ser (NM_001282163.2); c.335A>G, p.Asn112Ser (NM_001440756.1, NM_001440757.1); short protein forms N108S, N112S, N58S, N38S.
Identifiers: ClinVar variation 4770702 (VCV004770702.1).

ClinVar aggregate classification (germline): Uncertain significance (1 of 4 stars; one submission).

gnomAD v4.1: 26 of 1,199,851 alleles (0.0022%); highest among the groups gnomAD compares: Non-Finnish European, 0.0029%; no homozygotes.

Submission:

Labcorp Genetics (formerly Invitae), Labcorp
Classification: Uncertain significance. Last evaluated: 2025-04-07. Review status: criteria provided, single submitter. Criteria: Invitae Variant Classification Sherloc (09022015). Collection method: clinical testing. Allele origin: germline.
Comment: This sequence change replaces asparagine, which is neutral and polar, with serine, which is neutral and polar, at codon 38 of the CLCN5 protein (p.Asn38Ser). The frequency data for this variant in the population databases is considered unreliable, as metrics indicate poor data quality at this position in the gnomAD database. This variant has not been reported in the literature in individuals affected with CLCN5-related conditions. An algorithm developed to predict the effect of missense changes on protein structure and function (PolyPhen-2) suggests that this variant is likely to be tolerated. In summary, the available evidence is currently insufficient to determine the role of this variant in disease. Therefore, it has been classified as a Variant of Uncertain Significance.